The following is an entry in ClinVar:

NM_003289.4(TPM2):c.*13C>T

Gene: TPM2 (tropomyosin 2; minus strand). Cytogenetic location: 9p13.3.
Variant type: single nucleotide variant.
Coding change: c.*13C>T on transcript NM_003289.4 (MANE Select); 13 bases downstream of the stop codon, C replaced by T.
Molecular consequence: 3 prime UTR variant. On other transcripts: intron variant (2).
Genome position (GRCh38, 1-based): chr9:35,683,146, G>A on the plus strand (C>T on the coding strand, the complement: TPM2 is on the minus strand). VCF-style: chr9-35683146-G-A. GRCh37 (hg19) VCF-style: chr9-35683143-G-A.
Other names: c.*13C>T (NM_001301227.2); c.773-983C>T (NM_213674.1, NM_001301226.2).
Identifiers: ClinVar variation 4688264 (VCV004688264.1).

ClinVar aggregate classification (germline): Uncertain significance (1 of 4 stars; one submission).

Submission:

Women's Health and Genetics/Laboratory Corporation of America, LabCorp
Classification: Uncertain significance. Last evaluated: 2025-12-16. Review status: criteria provided, single submitter. Criteria: LabCorp Variant Classification Summary - May 2015. Collection method: clinical testing. Allele origin: germline.
Comment: Variant summary: TPM2 c.*13C>T is located in the untranslated mRNA region downstream of the termination codon. The variant allele was found at a frequency of 2.5e-05 in 158496 control chromosomes. The available data on variant occurrences in the general population are insufficient to allow any conclusion about variant significance. To our knowledge, no occurrence of c.*13C>T in individuals affected with TPM2-related conditions and no experimental evidence demonstrating its impact on protein function have been reported. No submitters have cited clinical-significance assessments for this variant to ClinVar. Based on the evidence outlined above, the variant was classified as uncertain significance.